The following is an entry in ClinVar:

NM_005477.3(HCN4):c.2657C>T (p.Ala886Val)

Gene: HCN4 (hyperpolarization activated cyclic nucleotide gated potassium channel 4; minus strand). Cytogenetic location: 15q24.1.
Variant type: single nucleotide variant.
Coding change: c.2657C>T on transcript NM_005477.3 (MANE Select); coding-DNA position 2657, C replaced by T.
Protein change: p.Ala886Val; replaces alanine 886 with valine.
Molecular consequence: missense variant.
Genome position (GRCh38, 1-based): chr15:73,323,436, G>A on the plus strand (C>T on the coding strand, the complement: HCN4 is on the minus strand). VCF-style: chr15-73323436-G-A. GRCh37 (hg19) VCF-style: chr15-73615777-G-A.
Other names: p.A886V:GCC>GTC; p.Ala886Val; short protein forms A886V.
Identifiers: ClinVar variation 190773 (VCV000190773.27), dbSNP rs200575377, ClinGen allele CA203631.
Genomic context (GRCh38, chr15:73,323,436, plus strand): 5'-CCGGCTATGGTGGTGGCGGCTACGCCAGCTGATGGTGTGGGAGCCGAGGGGGAGCCACAG[G>A]CCCCGGGGGGTGGGGAGGAGCTGGATGAGGGCAGGAGTGGGCTCAGTCCAGCGGGGGCAG-3'
Protein context (NP_005468.1, residues 876-896): PSSSSSPPPG[Ala886Val]CGSPSAPTPS

ClinVar aggregate classification (germline): Benign/Likely benign. Review status: criteria provided, multiple submitters, no conflicts (2 of 4 stars). 11 submissions from 11 submitters: Benign (7); Likely benign (3). 1 of the submissions does not count toward it. Last evaluated 2026-02-03.

Conditions:
HCN4-related disorder. Also called: HCN4-related condition.
Cardiovascular phenotype. Identifiers: MedGen CN230736.
Long QT syndrome (LQTS). Identifiers: MedGen C0023976, MeSH D008133, MONDO:0002442. Disease mechanism: loss of function. Inheritance: Various modes of inheritance.
Brugada syndrome 8 (BRGDA8). Identifiers: Orphanet 130, MedGen C2751083, MONDO:0013148, OMIM 613123.

Allele frequency attached by ClinVar (database versions not stated): gnomAD exomes 0.00031 and 0.00070; ExAC 0.00112; 1000 Genomes Project 0.00260; ESP Exome Variant Server 0.00269; 1000 Genomes Project 30x 0.00312; gnomAD 0.00313 and 0.00352; TOPMed 0.00393.
gnomAD v4.1: 950 of 1,608,942 alleles (0.059%); highest among the groups gnomAD compares: African/African-American, 1.2%; 3 homozygotes.

Submissions (11):

Labcorp Genetics (formerly Invitae), Labcorp
Classification: Benign for Brugada syndrome 8. Last evaluated: 2026-02-03. Review status: criteria provided, single submitter. Criteria: Invitae Variant Classification Sherloc (09022015). Collection method: clinical testing. Allele origin: germline.

Molecular Diagnostic Laboratory for Inherited Cardiovascular Disease, Montreal Heart Institute
Classification: Likely benign. Last evaluated: 2025-04-09. Review status: criteria provided, single submitter. Criteria: ACMG Guidelines, 2015. Collection method: clinical testing. Allele origin: germline. Affected: no.

Blueprint Genetics
Classification: Likely benign. Last evaluated: 2024-11-12. Review status: criteria provided, single submitter. Criteria: ACMG Guidelines, 2015. Collection method: clinical testing. Allele origin: germline.

ARUP Laboratories, Molecular Genetics and Genomics, ARUP Laboratories
Classification: Benign. Last evaluated: 2024-06-21. Review status: criteria provided, single submitter. Criteria: ARUP Molecular Germline Variant Investigation Process 2024. Collection method: clinical testing. Allele origin: germline.

Mayo Clinic Laboratories, Mayo Clinic
Classification: Benign. Last evaluated: 2023-12-13. Review status: criteria provided, single submitter. Criteria: ACMG Guidelines, 2015. Collection method: clinical testing. Allele origin: germline. Observed: 4 variant alleles.
Comment: BA1, BS2, BP4

Center for Advanced Laboratory Medicine, UC San Diego Health, University of California San Diego
Classification: Benign for Long QT Syndrome. Last evaluated: 2018-05-15. Review status: criteria provided, single submitter. Criteria: ACMG Guidelines, 2015. Collection method: clinical testing. Allele origin: germline. Affected: yes. Observed: 1 variant allele.

Athena Diagnostics
Classification: Likely benign. Last evaluated: 2018-02-06. Review status: criteria provided, single submitter. Criteria: Athena Diagnostics Criteria. Collection method: clinical testing. Allele origin: germline.

GeneDx
Classification: Benign. Last evaluated: 2016-09-01. Review status: criteria provided, single submitter. Criteria: GeneDx Variant Classification (06012015). Collection method: clinical testing. Allele origin: germline. Affected: yes.
Comment: This variant is considered likely benign or benign based on one or more of the following criteria: it is a conservative change, it occurs at a poorly conserved position in the protein, it is predicted to be benign by multiple in silico algorithms, and/or has population frequency not consistent with disease.

Ambry Genetics
Classification: Benign for Cardiovascular phenotype. Last evaluated: 2016-08-29. Review status: criteria provided, single submitter. Criteria: Ambry Variant Classification Scheme 2023. Collection method: clinical testing. Allele origin: germline.

Eurofins Ntd Llc (ga)
Classification: Benign. Last evaluated: 2014-11-25. Review status: criteria provided, single submitter. Criteria: EGL Classification Definitions 2015. Collection method: clinical testing. Allele origin: germline. Observed: 2 variant alleles, 2 heterozygotes.

PreventionGenetics, part of Exact Sciences
Classification: Benign for HCN4-related condition. Last evaluated: 2019-06-28. Review status: no assertion criteria provided. Collection method: clinical testing. Allele origin: germline. Not counted in ClinVar's aggregate classification.
Comment: This variant is classified as benign based on ACMG/AMP sequence variant interpretation guidelines (Richards et al. 2015 PMID: 25741868, with internal and published modifications).